The following is an entry in ClinVar:

NM_144997.7(FLCN):c.1242G>T (p.Arg414=)

Gene: FLCN (folliculin; minus strand). Cytogenetic location: 17p11.2.
Variant type: single nucleotide variant.
Coding change: c.1242G>T on transcript NM_144997.7 (MANE Select); coding-DNA position 1242, G replaced by T.
Protein change: p.Arg414=; no amino-acid change (arginine 414 retained).
Molecular consequence: synonymous variant.
Genome position (GRCh38, 1-based): chr17:17,216,438, C>A on the plus strand (G>T on the coding strand, the complement: FLCN is on the minus strand). VCF-style: chr17-17216438-C-A. GRCh37 (hg19) VCF-style: chr17-17119752-C-A.
Other names: c.1296G>T, p.Arg432= (NM_001353229.2); c.1242G>T, p.Arg414= (NM_001353230.2, NM_001353231.2).
Identifiers: ClinVar variation 1114958 (VCV001114958.10), dbSNP rs376836624, ClinGen allele CA288307334.

ClinVar aggregate classification (germline): Benign/Likely benign. Review status: criteria provided, multiple submitters, no conflicts (2 of 4 stars). 3 submissions from 3 submitters: Benign (1); Likely benign (2). Last evaluated 2025-05-04.

Conditions:
Hereditary cancer-predisposing syndrome. Also called: Neoplastic Syndromes, Hereditary; Hereditary Cancer Syndrome; Hereditary neoplastic syndrome; Tumor predisposition. Identifiers: Orphanet 140162, MedGen C0027672, MeSH D009386, MONDO:0015356.
Birt-Hogg-Dube syndrome. Also called: Birt Hogg Dubé syndrome. Identifiers: Orphanet 122, MedGen C0346010, MONDO:0800444.
Birt-Hogg-Dube syndrome 1 (BHD1). Also called: FIBROFOLLICULOMAS WITH TRICHODISCOMAS AND ACROCHORDONS. Identifiers: Orphanet 122, MedGen CN375946, MONDO:0800445, OMIM 135150.

Allele frequency attached by ClinVar (database versions not stated): gnomAD 0.00002; TOPMed 0.00002; ESP Exome Variant Server 0.00008.
gnomAD v4.1: 3 of 1,613,760 alleles (0.00019%); highest among the groups gnomAD compares: African/African-American, 0.004%; no homozygotes.

Submissions (3):

Labcorp Genetics (formerly Invitae), Labcorp
Classification: Likely benign for Birt-Hogg-Dube syndrome. Last evaluated: 2025-05-04. Review status: criteria provided, single submitter. Criteria: Invitae Variant Classification Sherloc (09022015). Collection method: clinical testing. Allele origin: germline.

Myriad Genetics, Inc.
Classification: Benign for Birt-Hogg-Dube syndrome 1. Last evaluated: 2024-10-24. Review status: criteria provided, single submitter. Criteria: Myriad Autosomal Dominant, Autosomal Recessive and X-Linked Classification Criteria (2023). Collection method: clinical testing. Allele origin: unknown.
Comment: This variant is considered benign. This variant is a silent/synonymous amino acid change and it is not expected to impact splicing.

Ambry Genetics
Classification: Likely benign for Hereditary cancer-predisposing syndrome. Last evaluated: 2022-03-16. Review status: criteria provided, single submitter. Criteria: Ambry Variant Classification Scheme 2023. Collection method: clinical testing. Allele origin: germline.